The following is an entry in ClinVar:

ClinVar aggregate classification (germline): Uncertain significance (1 of 4 stars; one submission).

Conditions:
ISL1-related disorder. Also called: ISL1-related condition.

gnomAD v4.1: 56 of 1,614,156 alleles (0.0035%); highest among the groups gnomAD compares: Non-Finnish European, 0.0044%; no homozygotes.

Submission:

PreventionGenetics, part of Exact Sciences
Classification: Uncertain significance for ISL1-related condition. Last evaluated: 2025-07-21. Review status: criteria provided, single submitter. Criteria: ACMG Guidelines, 2015. Collection method: clinical testing. Allele origin: germline.
Comment: The ISL1 c.892G>T variant is predicted to result in the amino acid substitution p.Ala298Ser. To our knowledge, this variant has not been reported in the literature or in a large population database (gnomAD), indicating this variant is rare. At this time, the clinical significance of this variant is uncertain due to the absence of conclusive functional and genetic evidence.

NM_002202.3(ISL1):c.892G>T (p.Ala298Ser)

Gene: ISL1 (ISL LIM homeobox 1; plus strand). Cytogenetic location: 5q11.1.
Variant type: single nucleotide variant.
Coding change: c.892G>T on transcript NM_002202.3 (MANE Select); coding-DNA position 892, G replaced by T.
Protein change: p.Ala298Ser; replaces alanine 298 with serine.
Molecular consequence: missense variant.
Genome position (GRCh38, 1-based): chr5:51,391,400, G>T. VCF-style: chr5-51391400-G-T. GRCh37 (hg19) VCF-style: chr5-50687234-G-T.
Other names: short protein forms A298S.
Identifiers: ClinVar variation 4985385 (VCV004985385.1).
Genomic context (GRCh38, chr5:51,391,400, plus strand): 5'-CAGGCTAACCCAGTGGAAGTACAAAGTTACCAGCCACCTTGGAAAGTACTGAGCGACTTC[G>T]CCTTGCAGAGTGACATAGATCAGCCTGCTTTTCAGCAACTGGTAAGTGTCAGCTCCCAGA-3'
Protein context (NP_002193.2, residues 288-308): QPPWKVLSDF[Ala298Ser]LQSDIDQPAF